The following is an entry in ClinVar:

NM_021871.4(FGA):c.263T>A (p.Leu88His)

Gene: FGA (fibrinogen alpha chain; minus strand). Cytogenetic location: 4q31.3.
Variant type: single nucleotide variant.
Coding change: c.263T>A on transcript NM_021871.4 (MANE Select); coding-DNA position 263, T replaced by A.
Protein change: p.Leu88His; replaces leucine 88 with histidine.
Molecular consequence: missense variant.
Genome position (GRCh38, 1-based): chr4:154,588,894, A>T on the plus strand (T>A on the coding strand, the complement: FGA is on the minus strand). VCF-style: chr4-154588894-A-T. GRCh37 (hg19) VCF-style: chr4-155510046-A-T.
Other names: c.263T>A, p.Leu88His (NM_000508.5); short protein forms L88H.
Identifiers: ClinVar variation 3233974 (VCV003233974.3), dbSNP rs77531839, ClinGen allele CA3115344.

ClinVar aggregate classification (germline): Conflicting classifications of pathogenicity. Review status: criteria provided, conflicting classifications (1 of 4 stars). 2 submissions from 2 submitters: Uncertain significance (1); Likely benign (1). Last evaluated 2024-03-14.

Allele frequency attached by ClinVar (database versions not stated): gnomAD exomes 0.00008; ExAC 0.00027; gnomAD 0.00078; TOPMed 0.00090; 1000 Genomes Project 30x 0.00109; ESP Exome Variant Server 0.00115; 1000 Genomes Project 0.00120.
gnomAD v4.1: 246 of 1,611,894 alleles (0.015%); highest among the groups gnomAD compares: African/African-American, 0.28%; no homozygotes.

Submissions (2):

Women's Health and Genetics/Laboratory Corporation of America, LabCorp
Classification: Likely benign. Last evaluated: 2024-03-14. Review status: criteria provided, single submitter. Criteria: LabCorp Variant Classification Summary - May 2015. Collection method: clinical testing. Allele origin: germline.
Comment: Variant summary: FGA c.263T>A (p.Leu88His) results in a non-conservative amino acid change in the encoded protein sequence. Five of five in-silico tools predict a damaging effect of the variant on protein function. The variant allele was found at a frequency of 0.00022 in 250476 control chromosomes, predominantly at a frequency of 0.0028 within the African or African-American subpopulation in the gnomAD database. c.263T>A has been reported in the literature in at-least one individual affected with Chronic thromboembolic pulmonary hypertension (example:Morris_2009). This report does not provide unequivocal conclusions about association of the variant with Dysfibrinogenemia, Congenital. At least one publication reports experimental evidence evaluating an impact on protein function, however, does not allow convincing conclusions about the variant effect (example: Morris_2009). No submitters have cited clinical-significance assessments for this variant to ClinVar. Based on the evidence outlined above, the variant was classified as likely benign.

GeneDx
Classification: Uncertain significance. Last evaluated: 2024-01-03. Review status: criteria provided, single submitter. Criteria: GeneDx Variant Classification Process June 2021. Collection method: clinical testing. Allele origin: germline. Affected: yes.
Comment: Also known as L69H, reported in one individual with chronic thromboembolic pulmonary hypertension and a family history of acute thrombosis; however, no further clinical or segregation information was provided (PMID: 19420351); In silico analysis supports that this missense variant has a deleterious effect on protein structure/function; This variant is associated with the following publications: (PMID: 19420351)

Literature cited by the submitters: PubMed 19420351 (cited by Women's Health and Genetics/Laboratory Corporation of America, LabCorp).